The following is an entry in ClinVar:

NM_017654.4(SAMD9):c.4495G>A (p.Asp1499Asn)

Gene: SAMD9 (sterile alpha motif domain containing 9; minus strand). Cytogenetic location: 7q21.2.
Variant type: single nucleotide variant.
Coding change: c.4495G>A on transcript NM_017654.4 (MANE Select); coding-DNA position 4495, G replaced by A.
Protein change: p.Asp1499Asn; replaces aspartic acid 1499 with asparagine.
Molecular consequence: missense variant.
Genome position (GRCh38, 1-based): chr7:93,101,603, C>T on the plus strand (G>A on the coding strand, the complement: SAMD9 is on the minus strand). VCF-style: chr7-93101603-C-T. GRCh37 (hg19) VCF-style: chr7-92730916-C-T.
Other names: c.4495G>A, p.Asp1499Asn (NM_001193307.2); c.4495G>A (NM_017654.3); short protein forms D1499N.
Identifiers: ClinVar variation 1915592 (VCV001915592.3), dbSNP rs747136998, ClinGen allele CA4342545.
Genomic context (GRCh38, chr7:93,101,603, plus strand): 5'-TCCACACATCTCCACTCTGCCACAAGGAATTAATATCTGGTGTCTTCTTAAAGCACTGGT[C>T]AATTTTTCCTTTGTGAACAAGTCTTTCCAGTCTTTTACCTTTTCCAAGAAAGAAATATGC-3'
Protein context (NP_060124.2, residues 1489-1509): LERLVHKGKI[Asp1499Asn]QCFKKTPDIN

ClinVar aggregate classification (germline): Uncertain significance. Review status: criteria provided, multiple submitters, no conflicts (2 of 4 stars). 2 submissions from 2 submitters: Uncertain significance (2). Last evaluated 2025-03-07.

Conditions:
Inborn genetic diseases. Identifiers: MedGen C0950123, MeSH D030342.

Allele frequency attached by ClinVar (database versions not stated): ExAC 0.00001; gnomAD exomes 0.00002.

Submissions (2):

Ambry Genetics
Classification: Uncertain significance for Inborn genetic diseases. Last evaluated: 2025-03-07. Review status: criteria provided, single submitter. Criteria: Ambry Variant Classification Scheme 2023. Collection method: clinical testing. Allele origin: germline.
Comment: The p.D1499N variant (also known as c.4495G>A), located in coding exon 1 of the SAMD9 gene, results from a G to A substitution at nucleotide position 4495. The aspartic acid at codon 1499 is replaced by asparagine, an amino acid with highly similar properties. This amino acid position is conserved. In addition, this alteration is predicted to be tolerated by in silico analysis. Based on the available evidence, the clinical significance of this variant remains unclear.

Labcorp Genetics (formerly Invitae), Labcorp
Classification: Uncertain significance. Last evaluated: 2022-09-27. Review status: criteria provided, single submitter. Criteria: Invitae Variant Classification Sherloc (09022015). Collection method: clinical testing. Allele origin: germline.
Comment: This sequence change replaces aspartic acid, which is acidic and polar, with asparagine, which is neutral and polar, at codon 1499 of the SAMD9 protein (p.Asp1499Asn). This variant is present in population databases (rs747136998, gnomAD 0.02%). This variant has not been reported in the literature in individuals affected with SAMD9-related conditions. Advanced modeling of protein sequence and biophysical properties (such as structural, functional, and spatial information, amino acid conservation, physicochemical variation, residue mobility, and thermodynamic stability) has been performed at Invitae for this missense variant, however the output from this modeling did not meet the statistical confidence thresholds required to predict the impact of this variant on SAMD9 protein function. In summary, the available evidence is currently insufficient to determine the role of this variant in disease. Therefore, it has been classified as a Variant of Uncertain Significance.